The following is an entry in ClinVar:

NM_002693.3(POLG):c.134del (p.Gln45fs)

Genes: POLG (DNA polymerase gamma, catalytic subunit; minus strand), POLGARF (POLG alternative reading frame; minus strand). Cytogenetic location: 15q26.1.
Variant type: Deletion.
Coding change: c.134del on transcript NM_002693.3 (MANE Select); coding-DNA position 134, one base deleted (A; older notation c.134delA).
Protein change: p.Gln45fs; shifts the reading frame from glutamine 45.
Molecular consequence: frameshift variant.
Genome position (GRCh38, 1-based): chr15:89,333,621, T deleted on the plus strand (A on the coding strand, the reverse complement: POLG is on the minus strand). VCF-style (leftmost placement, unchanged base first): chr15-89333620-CT-C. GRCh37 (hg19) VCF-style: chr15-89876851-CT-C.
Other names: c.134del, p.Gln45fs (NM_001126131.2); short protein forms Q45fs.
Identifiers: ClinVar variation 5013819 (VCV005013819.1).

ClinVar aggregate classification (germline): Pathogenic (1 of 4 stars; one submission).

Conditions:
POLG-related disorder. Also called: POLG-related condition; POLG-Related Disorders; POLG-Related Spectrum Disorders. Identifiers: MedGen C4763519.

Submission:

Myriad Genetics, Inc.
Classification: Pathogenic for POLG-related disorder. Last evaluated: 2024-11-27. Review status: criteria provided, single submitter. Criteria: Myriad Autosomal Dominant, Autosomal Recessive and X-Linked Classification Criteria (2023). Collection method: clinical testing. Allele origin: unknown.
Comment: NM_002693.2(POLG):c.134delA(Q45Rfs*221) is expected to be pathogenic in the context of POLG-related disorders. This variant is predicted to lead to an abnormal or absent protein product due to the creation of a premature termination codon in POLG, a gene where loss-of-function variants are known to be pathogenic. Please note: this variant was assessed in the context of healthy population screening.